The following is an entry in ClinVar:

ClinVar aggregate classification (germline): Conflicting classifications of pathogenicity. Review status: criteria provided, conflicting classifications (1 of 4 stars). 5 submissions from 5 submitters: Uncertain significance (1); Likely benign (3). 1 of the submissions does not count toward it. Last evaluated 2025-12-21.

Conditions:
Autosomal recessive nonsyndromic hearing loss 77. Identifiers: Orphanet 90636, MedGen C2746083, MONDO:0013119, OMIM 613079.

Allele frequency attached by ClinVar (database versions not stated): TOPMed 0.00002; gnomAD 0.00006; ExAC 0.00009.
gnomAD v4.1: 15 of 1,551,600 alleles (0.00097%); highest among the groups gnomAD compares: Admixed American, 0.002%; no homozygotes.

Submissions (5):

Labcorp Genetics (formerly Invitae), Labcorp
Classification: Likely benign. Last evaluated: 2025-12-21. Review status: criteria provided, single submitter. Criteria: Invitae Variant Classification Sherloc (09022015). Collection method: clinical testing. Allele origin: germline.

Blueprint Genetics
Classification: Likely benign. Last evaluated: 2018-09-27. Review status: criteria provided, single submitter. Criteria: ACMG Guidelines, 2015. Collection method: clinical testing. Allele origin: germline.

GeneDx
Classification: Likely benign. Last evaluated: 2018-03-21. Review status: criteria provided, single submitter. Criteria: GeneDx Variant Classification (06012015). Collection method: clinical testing. Allele origin: germline. Affected: yes.
Comment: This variant is considered likely benign or benign based on one or more of the following criteria: it is a conservative change, it occurs at a poorly conserved position in the protein, it is predicted to be benign by multiple in silico algorithms, and/or has population frequency not consistent with disease.

Illumina Laboratory Services, Illumina
Classification: Uncertain significance for Autosomal recessive nonsyndromic hearing loss 77. Last evaluated: 2018-01-13. Review status: criteria provided, single submitter. Criteria: ICSL Variant Classification Criteria 13 December 2019. Collection method: clinical testing. Allele origin: germline.

Natera, Inc.
Classification: Likely benign for Autosomal recessive deafness type 77. Last evaluated: 2020-09-16. Review status: no assertion criteria provided. Collection method: clinical testing. Allele origin: germline. Not counted in ClinVar's aggregate classification.

NM_001384474.1(LOXHD1):c.6252C>T (p.His2084=)

Gene: LOXHD1 (lipoxygenase homology PLAT domains 1; minus strand). Cytogenetic location: 18q21.1.
Variant type: single nucleotide variant.
Coding change: c.6252C>T on transcript NM_001384474.1 (MANE Select); coding-DNA position 6252, C replaced by T.
Protein change: p.His2084=; no amino-acid change (histidine 2084 retained).
Molecular consequence: synonymous variant.
Genome position (GRCh38, 1-based): chr18:46,483,676, G>A on the plus strand (C>T on the coding strand, the complement: LOXHD1 is on the minus strand). VCF-style: chr18-46483676-G-A. GRCh37 (hg19) VCF-style: chr18-44063639-G-A.
Other names: c.2919C>T, p.His973= (NM_001145472.3); c.969C>T, p.His323= (NM_001145473.3, NM_001173129.2); c.2631C>T, p.His877= (NM_001308013.2); c.6066C>T, p.His2022= (NM_144612.7).
Identifiers: ClinVar variation 326829 (VCV000326829.19), dbSNP rs753440039, ClinGen allele CA8952062.
Genomic context (GRCh38, chr18:46,483,676, plus strand): 5'-GATGGTCTTGACATGCCAGGCAAGTTCTCTCTTGGGGATAAACCGGTCTTCCCTGGCAAG[G>A]TGGCCCACACAGAGGGAGGCAATGTCCCCCAAGTAGATGCTGTCAAACTCAAACGTGTCT-3'
Protein context (NP_001371403.1, residues 2074-2094): LGDIASLCVG[His2084=]LAREDRFIPK